The following is an entry in ClinVar:

ClinVar aggregate classification (germline): Likely benign (0 of 4 stars; one submission).

Conditions:
MYO5B-related disorder. Also called: MYO5B-related condition.

Allele frequency attached by ClinVar (database versions not stated): gnomAD exomes 0.00001.
gnomAD v4.1: 5 of 1,614,074 alleles (0.00031%); highest among the groups gnomAD compares: Non-Finnish European, 0.00042%; no homozygotes.

Submission:

PreventionGenetics, part of Exact Sciences
Classification: Likely benign for MYO5B-related condition. Last evaluated: 2023-10-19. Review status: no assertion criteria provided. Collection method: clinical testing. Allele origin: germline.
Comment: This variant is classified as likely benign based on ACMG/AMP sequence variant interpretation guidelines (Richards et al. 2015 PMID: 25741868, with internal and published modifications).

NM_001080467.3(MYO5B):c.4395T>C (p.Asp1465=)

Genes: MYO5B (myosin VB; minus strand), SNHG22 (small nucleolar RNA host gene 22; plus strand). Cytogenetic location: 18q21.1.
Variant type: single nucleotide variant.
Coding change: c.4395T>C on transcript NM_001080467.3 (MANE Select); coding-DNA position 4395, T replaced by C.
Protein change: p.Asp1465=; no amino-acid change (aspartic acid 1465 retained).
Molecular consequence: synonymous variant.
Genome position (GRCh38, 1-based): chr18:49,847,210, A>G on the plus strand (T>C on the coding strand, the complement: MYO5B is on the minus strand). VCF-style: chr18-49847210-A-G. GRCh37 (hg19) VCF-style: chr18-47373580-A-G.
Identifiers: ClinVar variation 3061550 (VCV003061550.2), dbSNP rs2511241039, ClinGen allele CA503851750.
Genomic context (GRCh38, chr18:49,847,210, plus strand): 5'-CACCAGGTTCCGGATGAGGAGGGCCTCGTCCTCTTTGTGGTACTCCAGCATGCCCTGGAA[A>G]TCCTTCTCTTTCCGCTGGACCGTGACCTGCCTGTTGAGCTCATGGCGCTTCCTCTCACTC-3'
Protein context (NP_001073936.1, residues 1455-1475): RQVTVQRKEK[Asp1465=]FQGMLEYHKE